The following is an entry in ClinVar:

NM_182493.3(MYLK3):c.755A>T (p.Glu252Val)

Gene: MYLK3 (myosin light chain kinase 3; minus strand). Cytogenetic location: 16q11.2.
Variant type: single nucleotide variant.
Coding change: c.755A>T on transcript NM_182493.3 (MANE Select); coding-DNA position 755, A replaced by T.
Protein change: p.Glu252Val; replaces glutamic acid 252 with valine.
Molecular consequence: missense variant. On other transcripts: intron variant (1).
Genome position (GRCh38, 1-based): chr16:46,737,957, T>A on the plus strand (A>T on the coding strand, the complement: MYLK3 is on the minus strand). VCF-style: chr16-46737957-T-A. GRCh37 (hg19) VCF-style: chr16-46771869-T-A.
Other names: c.-23+2100A>T (NM_001308301.1); c.755A>T (NM_182493.2); short protein forms E252V.
Identifiers: ClinVar variation 2870762 (VCV002870762.4), dbSNP rs571248682, ClinGen allele CA8038149.
Genomic context (GRCh38, chr16:46,737,957, plus strand): 5'-TTGACCCTGCCGGGTGCTGGAGCCAATTCCAGGCCAGTCCTGAGGTTCTCGCTGGGTGTC[T>A]CAGGAGCCTTGGCTTCCACCTTTGTGGGCAGGGGCAGGTGGCCAGGGAATGCCTGGGCTG-3'
Protein context (NP_872299.2, residues 242-262): LPTKVEAKAP[Glu252Val]TPSENLRTGL

ClinVar aggregate classification (germline): Uncertain significance. Review status: criteria provided, multiple submitters, no conflicts (2 of 4 stars). 2 submissions from 2 submitters: Uncertain significance (2). Last evaluated 2025-09-05.

Allele frequency attached by ClinVar (database versions not stated): ExAC 0.00001; gnomAD 0.00001; TOPMed 0.00001; 1000 Genomes Project 30x 0.00016; 1000 Genomes Project 0.00020.
gnomAD v4.1: 2 of 1,614,156 alleles (0.00012%); highest among the groups gnomAD compares: African/African-American, 0.0027%; no homozygotes.

Submissions (2):

Ambry Genetics
Classification: Uncertain significance. Last evaluated: 2025-09-05. Review status: criteria provided, single submitter. Criteria: Ambry Variant Classification Scheme 2023. Collection method: clinical testing. Allele origin: germline.

Labcorp Genetics (formerly Invitae), Labcorp
Classification: Uncertain significance. Last evaluated: 2023-11-14. Review status: criteria provided, single submitter. Criteria: Invitae Variant Classification Sherloc (09022015). Collection method: clinical testing. Allele origin: germline.
Comment: This sequence change replaces glutamic acid, which is acidic and polar, with valine, which is neutral and non-polar, at codon 252 of the MYLK3 protein (p.Glu252Val). This variant is present in population databases (rs571248682, gnomAD 0.007%). This variant has not been reported in the literature in individuals affected with MYLK3-related conditions. Algorithms developed to predict the effect of missense changes on protein structure and function output the following: SIFT: "Not Available"; PolyPhen-2: "Benign"; Align-GVGD: "Not Available". The valine amino acid residue is found in multiple mammalian species, which suggests that this missense change does not adversely affect protein function. In summary, the available evidence is currently insufficient to determine the role of this variant in disease. Therefore, it has been classified as a Variant of Uncertain Significance.